The following is an entry in ClinVar:

NM_000475.5(NR0B1):c.937G>A (p.Glu313Lys)

Gene: NR0B1 (nuclear receptor subfamily 0 group B member 1; minus strand). Cytogenetic location: Xp21.2.
Variant type: single nucleotide variant.
Coding change: c.937G>A on transcript NM_000475.5 (MANE Select); coding-DNA position 937, G replaced by A.
Protein change: p.Glu313Lys; replaces glutamic acid 313 with lysine.
Molecular consequence: missense variant.
Genome position (GRCh38, 1-based): chrX:30,308,427, C>T on the plus strand (G>A on the coding strand, the complement: NR0B1 is on the minus strand). VCF-style: chrX-30308427-C-T. GRCh37 (hg19) VCF-style: chrX-30326544-C-T.
Other names: short protein forms E313K.
Identifiers: ClinVar variation 4793392 (VCV004793392.1).

ClinVar aggregate classification (germline): Uncertain significance (1 of 4 stars; one submission).

Conditions:
Congenital adrenal hypoplasia, X-linked (AHC). Also called: Isolated X-Linked Adrenal Hypoplasia Congenita; X-linked AHC; X-Linked Adrenal Hypoplasia Congenita; ADRENAL HYPOPLASIA, CONGENITAL, WITH HYPOGONADOTROPIC HYPOGONADISM. Identifiers: Orphanet 95702, MedGen C0342482, MONDO:0010264, OMIM 300200. Disease mechanism: loss of function.
46,XY sex reversal 2. Also called: NR0B1-Related 46,XY CGD; NR0B1-related 46,XY complete gonadal dysgenesis; Dosage-sensitive sex reversal; 46,XY SEX REVERSAL, DAX1-RELATED; 46XY sex reversal 2, dosage-sensitive. Identifiers: MedGen C1848296, MONDO:0010226, OMIM 300018.

Submission:

Labcorp Genetics (formerly Invitae), Labcorp
Classification: Uncertain significance for Congenital adrenal hypoplasia, X-linked; 46,XY sex reversal 2. Last evaluated: 2025-06-30. Review status: criteria provided, single submitter. Criteria: Invitae Variant Classification Sherloc (09022015). Collection method: clinical testing. Allele origin: germline.
Comment: This sequence change replaces glutamic acid, which is acidic and polar, with lysine, which is basic and polar, at codon 313 of the NR0B1 protein (p.Glu313Lys). This variant is not present in population databases (gnomAD no frequency). This variant has not been reported in the literature in individuals affected with NR0B1-related conditions. Invitae Evidence Modeling of protein sequence and biophysical properties (such as structural, functional, and spatial information, amino acid conservation, physicochemical variation, residue mobility, and thermodynamic stability) indicates that this missense variant is not expected to disrupt NR0B1 protein function with a negative predictive value of 80%. In summary, the available evidence is currently insufficient to determine the role of this variant in disease. Therefore, it has been classified as a Variant of Uncertain Significance.